The following is an entry in ClinVar:

ClinVar aggregate classification (germline): Likely pathogenic (1 of 4 stars; one submission).

Conditions:
Lynch syndrome 5 (LYNCH5). Also called: Colorectal cancer, hereditary nonpolyposis, type 5; Hereditary non-polyposis colorectal cancer, type 5. Identifiers: Orphanet 144, MedGen C1833477, MONDO:0013710, OMIM 614350. Disease mechanism: loss of function.

Submission:

Myriad Genetics, Inc.
Classification: Likely pathogenic for Lynch syndrome 5. Last evaluated: 2023-08-23. Review status: criteria provided, single submitter. Criteria: Myriad Autosomal Dominant, Autosomal Recessive and X-Linked Classification Criteria (2023). Collection method: clinical testing. Allele origin: unknown.
Comment: This variant is considered likely pathogenic. Functional studies indicate this variant impacts protein function [Myriad internal data]. This variant is expected to disrupt protein structure [Myriad internal data]. This variant is strongly associated with more severe personal and family histories of cancer, typical for individuals with pathogenic variants in this gene [PMID: 27363726].

Literature cited by the submitters: PubMed 27363726.

NM_000179.3(MSH6):c.3455_3487del (p.Val1152_Ala1162del)

Gene: MSH6 (mutS homolog 6; plus strand). Cytogenetic location: 2p16.3.
Variant type: Deletion.
Coding change: c.3455_3487del on transcript NM_000179.3 (MANE Select); coding-DNA positions 3455 to 3487, 33 bases deleted.
Protein change: p.Val1152_Ala1162del.
Molecular consequence: non-coding transcript variant (on NR_176256.1).
Genome position (GRCh38, 1-based): chr2:47,804,926-47,804,958, 33 bases deleted; deleting any 33 consecutive bases within chr2:47,804,922-47,804,958 gives the same sequence; the c. name uses the placement nearest the transcript's 3' end. GRCh37 (hg19): chr2:48,032,065-48,032,097.
Other names: c.2549_2581del, p.Val850_Ala860del (NM_001406812.1, NM_001406814.1, NM_001406815.1 and 6 more transcripts); c.3461_3493del, p.Val1154_Ala1164del (NM_001406813.1); c.1889_1921del, p.Val630_Ala640del (NM_001406817.1); c.3158_3190del, p.Val1053_Ala1063del (NM_001406818.1, NM_001406819.1, NM_001406820.1 and 10 more transcripts); c.3287_3319del, p.Val1096_Ala1106del (NM_001406826.1); c.236_268del, p.Val79_Ala89del (NM_001406831.1); c.302_334del, p.Val101_Ala111del (NM_001406832.1); c.1400_1432del, p.Val467_Ala477del (NM_001407362.1); and 7 more.
Identifiers: ClinVar variation 2673587 (VCV002673587.1), dbSNP rs2530799214, ClinGen allele CA2695200557.